The following is an entry in ClinVar:

ClinVar aggregate classification (germline): Likely pathogenic (1 of 4 stars; one submission).

Conditions:
Autosomal recessive limb-girdle muscular dystrophy type 2J (LGMDR10). Also called: Limb-girdle muscular dystrophy, type 2J; MUSCULAR DYSTROPHY, LIMB-GIRDLE, AUTOSOMAL RECESSIVE 10. Identifiers: Orphanet 140922, MedGen C1837342, MONDO:0012127, OMIM 608807.
Dilated cardiomyopathy 1G (CMD1G). Identifiers: Orphanet 154, MedGen C1858763, MONDO:0011400, OMIM 604145.

Submission:

Labcorp Genetics (formerly Invitae), Labcorp
Classification: Likely pathogenic for Dilated cardiomyopathy 1G; Autosomal recessive limb-girdle muscular dystrophy type 2J. Last evaluated: 2024-10-05. Review status: criteria provided, single submitter. Criteria: Invitae Variant Classification Sherloc (09022015). Collection method: clinical testing. Allele origin: germline.
Comment: This sequence change creates a premature translational stop signal (p.Ile32728Lysfs*22) in the TTN gene. While this is not anticipated to result in nonsense mediated decay, it is expected to create a truncated TTN protein. This variant is not present in population databases (gnomAD no frequency). This variant has not been reported in the literature in individuals affected with TTN-related conditions. This variant is located in the A band of TTN (PMID: 25589632). Truncating variants in this region are significantly overrepresented in patients affected with dilated cardiomyopathy (PMID: 25589632). Truncating variants in this region have also been reported in individuals affected with autosomal recessive centronuclear myopathy (PMID: 23975875). In summary, the currently available evidence indicates that the variant is pathogenic, but additional data are needed to prove that conclusively. Therefore, this variant has been classified as Likely Pathogenic.

Literature cited by the submitters: PubMed 25589632; PubMed 23975875.

NM_001267550.2(TTN):c.98183_98186del (p.Ile32728fs)

Genes: TTN-AS1 (TTN antisense RNA 1; plus strand), TTN (titin; minus strand). Cytogenetic location: 2q31.2.
Variant type: Deletion.
Coding change: c.98183_98186del on transcript NM_001267550.2 (MANE Select); coding-DNA positions 98183 to 98186, 4 bases deleted (TCAA; older notation c.98183_98186delTCAA).
Protein change: p.Ile32728fs; shifts the reading frame from isoleucine 32728.
Molecular consequence: frameshift variant. On other transcripts: non-coding transcript variant (1).
Genome position (GRCh38, 1-based): chr2:178,539,879-178,539,882, TTGA deleted on the plus strand (TCAA on the coding strand, the reverse complement: TTN is on the minus strand); deleting any 4 consecutive bases within chr2:178,539,879-178,539,885 gives the same sequence; the c. name uses the placement nearest the transcript's 3' end. VCF-style (leftmost placement, unchanged base first): chr2-178539878-TTTGA-T. GRCh37 (hg19) VCF-style: chr2-179404605-TTTGA-T.
Other names: c.93260_93263del, p.Ile31087fs (NM_001256850.1); c.70988_70991del, p.Ile23663fs (NM_003319.4); c.90479_90482del, p.Ile30160fs (NM_133378.4); c.71363_71366del, p.Ile23788fs (NM_133432.3); c.71564_71567del, p.Ile23855fs (NM_133437.4); short protein forms I23663fs, I23788fs, I23855fs, I30160fs, I31087fs, I32728fs.
Identifiers: ClinVar variation 3750777 (VCV003750777.2).